The following is an entry in ClinVar:

ClinVar aggregate classification (germline): Likely benign (1 of 4 stars; one submission).

gnomAD v4.1: 53 of 1,613,900 alleles (0.0033%); highest among the groups gnomAD compares: Non-Finnish European, 0.0042%; no homozygotes.

Submission:

CeGaT Center for Human Genetics Tuebingen
Classification: Likely benign. Last evaluated: 2025-09-01. Review status: criteria provided, single submitter. Criteria: CeGaT Center For Human Genetics Tuebingen Variant Classification Criteria Version 2. Collection method: clinical testing. Allele origin: germline. Affected: yes. Observed: 1 variant allele.
Comment: ZBTB11: BP4, BP7

NM_014415.4(ZBTB11):c.2040A>G (p.Ala680=)

Gene: ZBTB11 (zinc finger and BTB domain containing 11; minus strand). Cytogenetic location: 3q12.3.
Variant type: single nucleotide variant.
Coding change: c.2040A>G on transcript NM_014415.4 (MANE Select); coding-DNA position 2040, A replaced by G.
Protein change: p.Ala680=; no amino-acid change (alanine 680 retained).
Molecular consequence: synonymous variant.
Genome position (GRCh38, 1-based): chr3:101,659,789, T>C on the plus strand (A>G on the coding strand, the complement: ZBTB11 is on the minus strand). VCF-style: chr3-101659789-T-C. GRCh37 (hg19) VCF-style: chr3-101378633-T-C.
Identifiers: ClinVar variation 4281036 (VCV004281036.7).